The following is an entry in ClinVar:

NM_004714.3(DYRK1B):c.1309G>A (p.Glu437Lys)

Gene: DYRK1B (dual specificity tyrosine phosphorylation regulated kinase 1B; minus strand). Cytogenetic location: 19q13.2.
Variant type: single nucleotide variant.
Coding change: c.1309G>A on transcript NM_004714.3 (MANE Select); coding-DNA position 1309, G replaced by A.
Protein change: p.Glu437Lys; replaces glutamic acid 437 with lysine.
Molecular consequence: missense variant.
Genome position (GRCh38, 1-based): chr19:39,826,774, C>T on the plus strand (G>A on the coding strand, the complement: DYRK1B is on the minus strand). VCF-style: chr19-39826774-C-T. GRCh37 (hg19) VCF-style: chr19-40317414-C-T.
Other names: c.1189G>A, p.Glu397Lys (NM_006483.3); c.1225G>A, p.Glu409Lys (NM_006484.3); c.1309G>A (NM_004714.1); short protein forms E397K, E409K, E437K.
Identifiers: ClinVar variation 3356617 (VCV003356617.2).

ClinVar aggregate classification (germline): Uncertain significance. Review status: criteria provided, single submitter (1 of 4 stars). 2 submissions from 2 submitters: Uncertain significance (1). 1 of the submissions does not count toward it. Last evaluated 2025-09-04.

Conditions:
DYRK1B-related disorder. Also called: DYRK1B-related condition.
Inborn genetic diseases. Identifiers: MedGen C0950123, MeSH D030342.

Submissions (2):

Ambry Genetics
Classification: Uncertain significance for Inborn genetic diseases. Last evaluated: 2025-09-04. Review status: criteria provided, single submitter. Criteria: Ambry Variant Classification Scheme 2023. Collection method: clinical testing. Allele origin: germline.

PreventionGenetics, part of Exact Sciences
Classification: Uncertain significance for DYRK1B-related condition. Last evaluated: 2024-08-20. Review status: no assertion criteria provided. Collection method: clinical testing. Allele origin: germline. Not counted in ClinVar's aggregate classification.
Comment: The DYRK1B c.1309G>A variant is predicted to result in the amino acid substitution p.Glu437Lys. To our knowledge, this variant has not been reported in the literature. This variant is reported in 0.0013% of alleles in individuals of European (Non-Finnish) descent in gnomAD. At this time, the clinical significance of this variant is uncertain due to the absence of conclusive functional and genetic evidence.